The following is an entry in ClinVar:

NM_033026.6(PCLO):c.3728C>T (p.Pro1243Leu)

Gene: PCLO (piccolo presynaptic cytomatrix protein; minus strand). Cytogenetic location: 7q21.11.
Variant type: single nucleotide variant.
Coding change: c.3728C>T on transcript NM_033026.6 (MANE Select); coding-DNA position 3728, C replaced by T.
Protein change: p.Pro1243Leu; replaces proline 1243 with leucine.
Molecular consequence: missense variant.
Genome position (GRCh38, 1-based): chr7:82,966,060, G>A on the plus strand (C>T on the coding strand, the complement: PCLO is on the minus strand). VCF-style: chr7-82966060-G-A. GRCh37 (hg19) VCF-style: chr7-82595376-G-A.
Other names: c.3728C>T, p.Pro1243Leu (NM_014510.3); c.3728C>T (NM_033026.5); short protein forms P1243L.
Identifiers: ClinVar variation 1917326 (VCV001917326.3), dbSNP rs777818111, ClinGen allele CA4320972.

ClinVar aggregate classification (germline): Uncertain significance. Review status: criteria provided, multiple submitters, no conflicts (2 of 4 stars). 2 submissions from 2 submitters: Uncertain significance (2). Last evaluated 2025-05-16.

Conditions:
Inborn genetic diseases. Identifiers: MedGen C0950123, MeSH D030342.

Allele frequency attached by ClinVar (database versions not stated): ExAC 0.00003; gnomAD exomes 0.00001; TOPMed 0.00003; gnomAD 0.00001.
gnomAD v4.1: 22 of 1,613,166 alleles (0.0014%); highest among the groups gnomAD compares: Admixed American, 0.033%; no homozygotes.

Submissions (2):

Ambry Genetics
Classification: Uncertain significance for Inborn genetic diseases. Last evaluated: 2025-05-16. Review status: criteria provided, single submitter. Criteria: Ambry Variant Classification Scheme 2023. Collection method: clinical testing. Allele origin: germline.

Labcorp Genetics (formerly Invitae), Labcorp
Classification: Uncertain significance. Last evaluated: 2022-07-01. Review status: criteria provided, single submitter. Criteria: Invitae Variant Classification Sherloc (09022015). Collection method: clinical testing. Allele origin: germline.
Comment: This sequence change replaces proline, which is neutral and non-polar, with leucine, which is neutral and non-polar, at codon 1243 of the PCLO protein (p.Pro1243Leu). This variant is present in population databases (rs777818111, gnomAD 0.04%). This variant has not been reported in the literature in individuals affected with PCLO-related conditions. Algorithms developed to predict the effect of missense changes on protein structure and function output the following: SIFT: "Tolerated"; PolyPhen-2: "Not Available"; Align-GVGD: "Class C0". The leucine amino acid residue is found in multiple mammalian species, which suggests that this missense change does not adversely affect protein function. In summary, the available evidence is currently insufficient to determine the role of this variant in disease. Therefore, it has been classified as a Variant of Uncertain Significance.